The following is an entry in ClinVar:

NM_172240.3(POC1B):c.1023G>C (p.Glu341Asp)

Genes: POC1B-DUSP6 (POC1B-DUSP6 readthrough; minus strand), POC1B (POC1 centriolar protein B; minus strand). Cytogenetic location: 12q21.33.
Variant type: single nucleotide variant.
Coding change: c.1023G>C on transcript NM_172240.3 (MANE Select); coding-DNA position 1023, G replaced by C.
Protein change: p.Glu341Asp; replaces glutamic acid 341 with aspartic acid.
Molecular consequence: missense variant. On other transcripts: non-coding transcript variant (2).
Genome position (GRCh38, 1-based): chr12:89,466,779, C>G on the plus strand (G>C on the coding strand, the complement: POC1B is on the minus strand). VCF-style: chr12-89466779-C-G. GRCh37 (hg19) VCF-style: chr12-89860556-C-G.
Other names: c.897G>C, p.Glu299Asp (NM_001199777.2); c.1023G>C (NM_172240.2); short protein forms E299D, E341D.
Identifiers: ClinVar variation 1419073 (VCV001419073.7), dbSNP rs1882699601, ClinGen allele CA385993294.
Genomic context (GRCh38, chr12:89,466,779, plus strand): 5'-AAGCCTCAAAATGTACACAAAATGTAGGACAAATATGAACAAAATACTCACTTCTACAGT[C>G]TCAACTTTTTCCTCATGGGGATGTGGTGTTCTTGGGTAGATATCAAGAAGATGTGGTGGT-3'
Protein context (NP_758440.1, residues 331-351): RTPHPHEEKV[Glu341Asp]TVEINPKLEV

ClinVar aggregate classification (germline): Uncertain significance. Review status: criteria provided, multiple submitters, no conflicts (2 of 4 stars). 2 submissions from 2 submitters: Uncertain significance (2). Last evaluated 2025-02-20.

Conditions:
Inborn genetic diseases. Identifiers: MedGen C0950123, MeSH D030342.

Allele frequency attached by ClinVar (database versions not stated): TOPMed below 0.00001.
gnomAD v4.1: 1 of 1,611,858 alleles (0.000062%); highest among the groups gnomAD compares: Admixed American, 0.0017%; no homozygotes.

Submissions (2):

Ambry Genetics
Classification: Uncertain significance for Inborn genetic diseases. Last evaluated: 2025-02-20. Review status: criteria provided, single submitter. Criteria: Ambry Variant Classification Scheme 2023. Collection method: clinical testing. Allele origin: germline.

Labcorp Genetics (formerly Invitae), Labcorp
Classification: Uncertain significance. Last evaluated: 2021-08-12. Review status: criteria provided, single submitter. Criteria: Invitae Variant Classification Sherloc (09022015). Collection method: clinical testing. Allele origin: germline.
Comment: In summary, the available evidence is currently insufficient to determine the role of this variant in disease. Therefore, it has been classified as a Variant of Uncertain Significance. Advanced modeling of protein sequence and biophysical properties (such as structural, functional, and spatial information, amino acid conservation, physicochemical variation, residue mobility, and thermodynamic stability) performed at Invitae indicates that this missense variant is not expected to disrupt POC1B protein function. This variant has not been reported in the literature in individuals affected with POC1B-related conditions. This variant is not present in population databases (ExAC no frequency). This sequence change replaces glutamic acid with aspartic acid at codon 341 of the POC1B protein (p.Glu341Asp). The glutamic acid residue is moderately conserved and there is a small physicochemical difference between glutamic acid and aspartic acid.